The following is an entry in ClinVar:

NM_016284.5(CNOT1):c.1177G>A (p.Asp393Asn)

Gene: CNOT1 (CCR4-NOT transcription complex subunit 1; minus strand). Cytogenetic location: 16q21.
Variant type: single nucleotide variant.
Coding change: c.1177G>A on transcript NM_016284.5 (MANE Select); coding-DNA position 1177, G replaced by A.
Protein change: p.Asp393Asn; replaces aspartic acid 393 with asparagine.
Molecular consequence: missense variant. On other transcripts: non-coding transcript variant (1).
Genome position (GRCh38, 1-based): chr16:58,581,383, C>T on the plus strand (G>A on the coding strand, the complement: CNOT1 is on the minus strand). VCF-style: chr16-58581383-C-T. GRCh37 (hg19) VCF-style: chr16-58615287-C-T.
Other names: c.1177G>A, p.Asp393Asn (NM_001265612.2, NM_206999.3); short protein forms D393N.
Identifiers: ClinVar variation 3906545 (VCV003906545.1).
Genomic context (GRCh38, chr16:58,581,383, plus strand): 5'-TAGCTAAATACCACTTACTCACCTGGCCTTCAGCATGTTTCCAAGGTCTATATATGAGGT[C>T]TACTGGGAACACTTCCATACCCAAACCCCTCTGAATGCCATAAACCACATTATGAAGTCC-3'
Protein context (NP_057368.3, residues 383-403): RGLGMEVFPV[Asp393Asn]LIYRPWKHAE

ClinVar aggregate classification (germline): Uncertain significance (1 of 4 stars; one submission).

Submission:

GeneDx
Classification: Uncertain significance. Last evaluated: 2024-12-17. Review status: criteria provided, single submitter. Criteria: GeneDx Variant Classification Process June 2021. Collection method: clinical testing. Allele origin: germline. Affected: yes.
Comment: Not observed at significant frequency in large population cohorts (gnomAD); In silico analysis supports that this missense variant has a deleterious effect on protein structure/function; Has not been previously published as pathogenic or benign to our knowledge